The following is an entry in ClinVar:

ClinVar aggregate classification (germline): Conflicting classifications of pathogenicity. Review status: criteria provided, conflicting classifications (1 of 4 stars). 12 submissions from 12 submitters: Uncertain significance (1); Benign (2); Likely benign (6). 3 of the submissions do not count toward it. Last evaluated 2026-07-01.

Conditions:
Cardiovascular phenotype. Identifiers: MedGen CN230736.
Long QT syndrome 2 (LQT2). Identifiers: Orphanet 101016, Orphanet 768, MedGen C3150943, MONDO:0013367, OMIM 613688.
Cardiac arrhythmia. Also called: Arrhythmia; Cardiac rhythm disease. Identifiers: MedGen C0003811, MONDO:0007263, HP:0011675.
KCNH2-related disorder. Also called: KCNH2-related condition; KCNH2-related disorders.
Long QT syndrome (LQTS). Identifiers: MedGen C0023976, MeSH D008133, MONDO:0002442. Disease mechanism: loss of function. Inheritance: Various modes of inheritance.

Allele frequency attached by ClinVar (database versions not stated): 1000 Genomes Project 30x 0.00016; TOPMed 0.00017.

Submissions (12):

CeGaT Center for Human Genetics Tuebingen
Classification: Likely benign. Last evaluated: 2026-07-01. Review status: criteria provided, single submitter. Criteria: CeGaT Center For Human Genetics Tuebingen Variant Classification Criteria Version 2. Collection method: clinical testing. Allele origin: germline. Affected: yes. Observed: 12 variant alleles.
Comment: KCNH2: BP4, BS1

Labcorp Genetics (formerly Invitae), Labcorp
Classification: Likely benign for Long QT syndrome. Last evaluated: 2026-01-13. Review status: criteria provided, single submitter. Criteria: Invitae Variant Classification Sherloc (09022015). Collection method: clinical testing. Allele origin: germline.

Blueprint Genetics
Classification: Likely benign. Last evaluated: 2024-08-16. Review status: criteria provided, single submitter. Criteria: ACMG Guidelines, 2015. Collection method: clinical testing. Allele origin: germline.

ARUP Laboratories, Molecular Genetics and Genomics, ARUP Laboratories
Classification: Likely benign. Last evaluated: 2023-03-22. Review status: criteria provided, single submitter. Criteria: ARUP Molecular Germline Variant Investigation Process 2024. Collection method: clinical testing. Allele origin: germline.

Color Diagnostics, LLC DBA Color Health
Classification: Benign for Arrhythmia. Last evaluated: 2020-01-23. Review status: criteria provided, single submitter. Criteria: ACMG Guidelines, 2015. Collection method: clinical testing. Allele origin: germline.

Ambry Genetics
Classification: Likely benign for Cardiovascular phenotype. Last evaluated: 2018-04-12. Review status: criteria provided, single submitter. Criteria: Ambry Variant Classification Scheme 2023. Collection method: clinical testing. Allele origin: germline.

Athena Diagnostics
Classification: Likely benign. Last evaluated: 2018-01-26. Review status: criteria provided, single submitter. Criteria: Athena Diagnostics Criteria. Collection method: clinical testing. Allele origin: germline.

Illumina Laboratory Services, Illumina
Classification: Uncertain significance for Long QT syndrome 2. Last evaluated: 2018-01-13. Review status: criteria provided, single submitter. Criteria: ICSL Variant Classification Criteria 13 December 2019. Collection method: clinical testing. Allele origin: germline.

GeneDx
Classification: Benign. Last evaluated: 2015-03-03. Review status: criteria provided, single submitter. Criteria: GeneDx Variant Classification Process June 2021. Collection method: clinical testing. Allele origin: germline. Affected: yes.

PreventionGenetics, part of Exact Sciences
Classification: Likely benign for KCNH2-related condition. Last evaluated: 2019-08-28. Review status: no assertion criteria provided. Collection method: clinical testing. Allele origin: germline. Not counted in ClinVar's aggregate classification.
Comment: This variant is classified as likely benign based on ACMG/AMP sequence variant interpretation guidelines (Richards et al. 2015 PMID: 25741868, with internal and published modifications).

Clinical Genetics, Academic Medical Center
Classification: Benign. Review status: no assertion criteria provided. Collection method: clinical testing. Allele origin: germline. Affected: yes. Study: VKGL Data-share Consensus. Not counted in ClinVar's aggregate classification.

Joint Genome Diagnostic Labs from Nijmegen and Maastricht, Radboudumc and MUMC+
Classification: Likely benign. Review status: no assertion criteria provided. Collection method: clinical testing. Allele origin: germline. Affected: yes. Study: VKGL Data-share Consensus. Not counted in ClinVar's aggregate classification.

NM_000238.4(KCNH2):c.77-5C>G

Gene: KCNH2 (potassium voltage-gated channel subfamily H member 2; minus strand). Cytogenetic location: 7q36.1.
Variant type: single nucleotide variant.
Coding change: c.77-5C>G on transcript NM_000238.4 (MANE Select); 5 bases into the intron before coding-DNA position 77, C replaced by G.
Molecular consequence: intron variant.
Genome position (GRCh38, 1-based): chr7:150,974,946, G>C on the plus strand (C>G on the coding strand, the complement: KCNH2 is on the minus strand). VCF-style: chr7-150974946-G-C. GRCh37 (hg19) VCF-style: chr7-150672034-G-C.
Other names: c.77-5C>G (NM_172056.3); c.-101-5C>G (NM_001406755.1).
Identifiers: ClinVar variation 359317 (VCV000359317.55), dbSNP rs72549419, ClinGen allele CA040598.